The following is an entry in ClinVar:

ClinVar aggregate classification (germline): Likely benign (1 of 4 stars; one submission).

Submission:

GeneDx
Classification: Likely benign. Last evaluated: 2019-10-21. Review status: criteria provided, single submitter. Criteria: GeneDx Variant Classification Process June 2021. Collection method: clinical testing. Allele origin: germline. Affected: yes.
Comment: See Variant Classification Assertion Criteria.

NM_024075.5(TSEN34):c.-4-170del

Gene: TSEN34 (tRNA splicing endonuclease subunit 34; plus strand). Cytogenetic location: 19q13.42.
Variant type: Deletion.
Coding change: c.-4-170del on transcript NM_024075.5; 170 bases into the intron before 4 bases upstream of the start codon, one base deleted (G; older notation c.-4-170delG).
Molecular consequence: intron variant.
Genome position (GRCh38, 1-based): chr19:54,191,191, G deleted; the last of 5 consecutive G bases (chr19:54,191,187-54,191,191); deleting any one gives the same sequence. VCF-style (leftmost placement, unchanged base first): chr19-54191186-CG-C. GRCh37 (hg19) VCF-style: chr19-54695037-CG-C.
Other names: c.-4-170del (NM_001282333.2, NM_001386740.1); c.-5+154del (NM_001282332.2).
Identifiers: ClinVar variation 4071570 (VCV004071570.1).